The following is an entry in ClinVar:

NM_022455.5(NSD1):c.4302+1G>T

Gene: NSD1 (nuclear receptor binding SET domain protein 1; plus strand). Cytogenetic location: 5q35.3.
Variant type: single nucleotide variant.
Coding change: c.4302+1G>T on transcript NM_022455.5 (MANE Select); the canonical splice donor site of the intron after coding-DNA position 4302, G replaced by T.
Molecular consequence: splice donor variant.
Genome position (GRCh38, 1-based): chr5:177,239,866, G>T. VCF-style: chr5-177239866-G-T. GRCh37 (hg19) VCF-style: chr5-176666867-G-T.
Other names: c.3429+1G>T (NM_001409307.1, NM_172349.5, NM_001409309.1 and 3 more transcripts); c.4302+1G>T (NM_001409303.1, NM_001409301.1, NM_001409302.1); c.3882+1G>T (NM_001409304.1); c.3549+1G>T (NM_001409305.1).
Identifiers: ClinVar variation 4855069 (VCV004855069.1).

ClinVar aggregate classification (germline): Likely pathogenic (1 of 4 stars; one submission).

Conditions:
Sotos syndrome (SOTOS). Also called: CHROMOSOME 5q35 DELETION SYNDROME; CEREBRAL GIGANTISM; Sotos' syndrome; Distinctive facial appearance, overgrowth in childhood, and learning disabilities or delayed development; SOTOS SYNDROME 1. Identifiers: Orphanet 821, MedGen C0175695, MONDO:0019349, OMIM 117550.

Submission:

3billion
Classification: Likely pathogenic for Sotos syndrome. Last evaluated: 2025-09-27. Review status: criteria provided, single submitter. Criteria: ACMG Guidelines, 2015. Collection method: clinical testing. Allele origin: germline. Affected: yes.
Comment: The variant is not observed in the gnomAD v4.1.0 dataset. Predicted Consequence/Location: Canonical splice site: predicted to alter splicing and result in a loss or disruption of normal protein function. Multiple pathogenic loss-of-function variants are reported downstream of the variant. In silico tools predict the variant to alter splicing and produce an abnormal transcript [SpliceAI: 1.00 (spliceogenicity >=0.2, non-spliceogenicity <0.1)]. Therefore, this variant is classified as Likely pathogenic according to the recommendation of ACMG/AMP guideline.